The following is an entry in ClinVar:

NM_133178.4(PTPRU):c.366C>T (p.Arg122=)

Gene: PTPRU (protein tyrosine phosphatase receptor type U; plus strand). Cytogenetic location: 1p35.3.
Variant type: single nucleotide variant.
Coding change: c.366C>T on transcript NM_133178.4 (MANE Select); coding-DNA position 366, C replaced by T.
Protein change: p.Arg122=; no amino-acid change (arginine 122 retained).
Molecular consequence: synonymous variant.
Genome position (GRCh38, 1-based): chr1:29,258,665, C>T. VCF-style: chr1-29258665-C-T. GRCh37 (hg19) VCF-style: chr1-29585177-C-T.
Other names: c.366C>T, p.Arg122= (NM_001195001.2, NM_005704.5, NM_133177.4).
Identifiers: ClinVar variation 4983174 (VCV004983174.1).

ClinVar aggregate classification (germline): Uncertain significance (1 of 4 stars; one submission).

Conditions:
PTPRU-related disorder. Also called: PTPRU-related condition.

gnomAD v4.1: 125 of 1,614,110 alleles (0.0077%); highest among the groups gnomAD compares: Middle Eastern, 0.033%; no homozygotes.

Submission:

PreventionGenetics, part of Exact Sciences
Classification: Uncertain significance for PTPRU-related condition. Last evaluated: 2025-02-19. Review status: criteria provided, single submitter. Criteria: ACMG Guidelines, 2015. Collection method: clinical testing. Allele origin: germline.
Comment: The PTPRU c.366C>T variant is not predicted to result in an amino acid change (p.=). This variant is predicted to alter splicing based on available splicing prediction programs (SpliceAI, Jaganathan et al. 2019. PubMed ID: 30661751). However, the use of computer prediction programs is not equivalent to functional evidence. To our knowledge, this variant has not been reported in the literature. This variant is reported in 0.0093% of alleles in individuals of European (Non-Finnish) descent in gnomAD. At this time, the clinical significance of this variant is uncertain due to the absence of conclusive functional and genetic evidence.